The following is an entry in ClinVar:

NM_024996.7(GFM1):c.1043A>T (p.Asp348Val)

Gene: GFM1 (G elongation factor mitochondrial 1; plus strand). Cytogenetic location: 3q25.32.
Variant type: single nucleotide variant.
Coding change: c.1043A>T on transcript NM_024996.7 (MANE Select); coding-DNA position 1043, A replaced by T.
Protein change: p.Asp348Val; replaces aspartic acid 348 with valine.
Molecular consequence: missense variant. On other transcripts: non-coding transcript variant (3).
Genome position (GRCh38, 1-based): chr3:158,654,591, A>T. VCF-style: chr3-158654591-A-T. GRCh37 (hg19) VCF-style: chr3-158372380-A-T.
Other names: c.1100A>T, p.Asp367Val (NM_001308164.2, NM_001374355.1); c.1043A>T, p.Asp348Val (NM_001308166.2); c.926A>T, p.Asp309Val (NM_001374356.1); c.818A>T, p.Asp273Val (NM_001374357.1); c.584A>T, p.Asp195Val (NM_001374358.1); c.476A>T, p.Asp159Val (NM_001374359.1, NM_001374360.1); c.359A>T, p.Asp120Val (NM_001374361.1); short protein forms D309V, D159V, D367V, D195V, D348V, D120V, D273V.
Identifiers: ClinVar variation 2199710 (VCV002199710.1), dbSNP rs1040378688, ClinGen allele CA86502023.

ClinVar aggregate classification (germline): Uncertain significance (1 of 4 stars; one submission).

Allele frequency attached by ClinVar (database versions not stated): TOPMed 0.00002.
gnomAD v4.1: 2 of 1,613,204 alleles (0.00012%); highest among the groups gnomAD compares: Non-Finnish European, 0.00017%; no homozygotes.

Submission:

Labcorp Genetics (formerly Invitae), Labcorp
Classification: Uncertain significance. Last evaluated: 2022-05-20. Review status: criteria provided, single submitter. Criteria: Invitae Variant Classification Sherloc (09022015). Collection method: clinical testing. Allele origin: germline.
Comment: This sequence change replaces aspartic acid, which is acidic and polar, with valine, which is neutral and non-polar, at codon 348 of the GFM1 protein (p.Asp348Val). This variant is present in population databases (no rsID available, gnomAD 0.0009%). This variant has not been reported in the literature in individuals affected with GFM1-related conditions. Advanced modeling of protein sequence and biophysical properties (such as structural, functional, and spatial information, amino acid conservation, physicochemical variation, residue mobility, and thermodynamic stability) performed at Invitae indicates that this missense variant is not expected to disrupt GFM1 protein function. In summary, the available evidence is currently insufficient to determine the role of this variant in disease. Therefore, it has been classified as a Variant of Uncertain Significance.